The following is an entry in ClinVar:

NM_001042492.3(NF1):c.7120A>T (p.Met2374Leu)

Gene: NF1 (neurofibromin 1; plus strand). Cytogenetic location: 17q11.2.
Variant type: single nucleotide variant.
Coding change: c.7120A>T on transcript NM_001042492.3 (MANE Select); coding-DNA position 7120, A replaced by T.
Protein change: p.Met2374Leu; replaces methionine 2374 with leucine.
Molecular consequence: missense variant.
Genome position (GRCh38, 1-based): chr17:31,343,066, A>T. VCF-style: chr17-31343066-A-T. GRCh37 (hg19) VCF-style: chr17-29670084-A-T.
Other names: c.7057A>T, p.Met2353Leu (NM_000267.4); short protein forms M2353L, M2374L.
Identifiers: ClinVar variation 2505663 (VCV002505663.1), dbSNP rs2069867800, ClinGen allele CA399015630.

ClinVar aggregate classification (germline): Uncertain significance (1 of 4 stars; one submission).

Submission:

GeneDx
Classification: Uncertain significance. Last evaluated: 2022-12-13. Review status: criteria provided, single submitter. Criteria: GeneDx Variant Classification Process June 2021. Collection method: clinical testing. Allele origin: germline. Affected: yes.
Comment: Not observed at significant frequency in large population cohorts (gnomAD); In silico analysis supports that this missense variant does not alter protein structure/function; Has not been previously published as pathogenic or benign to our knowledge; This variant is associated with the following publications: (PMID: 25486365)